The following is an entry in ClinVar:

NM_000271.5(NPC1):c.3670T>C (p.Phe1224Leu)

Gene: NPC1 (NPC intracellular cholesterol transporter 1; minus strand). Cytogenetic location: 18q11.2.
Variant type: single nucleotide variant.
Coding change: c.3670T>C on transcript NM_000271.5 (MANE Select); coding-DNA position 3670, T replaced by C.
Protein change: p.Phe1224Leu; replaces phenylalanine 1224 with leucine.
Molecular consequence: missense variant.
Genome position (GRCh38, 1-based): chr18:23,533,439, A>G on the plus strand (T>C on the coding strand, the complement: NPC1 is on the minus strand). VCF-style: chr18-23533439-A-G. GRCh37 (hg19) VCF-style: chr18-21113403-A-G.
Other names: c.3670T>C (NM_000271.4); short protein forms F1224L.
Identifiers: ClinVar variation 2846798 (VCV002846798.4), dbSNP rs2058572301, ClinGen allele CA401790677.

ClinVar aggregate classification (germline): Pathogenic/Likely pathogenic. Review status: criteria provided, multiple submitters, no conflicts (2 of 4 stars). 2 submissions from 2 submitters: Pathogenic (1); Likely pathogenic (1). Last evaluated 2025-12-02.

Conditions:
NPC1-related disorder. Also called: NPC1-related condition.
Niemann-Pick disease, type C1. Also called: NEUROVISCERAL STORAGE DISEASE WITH VERTICAL SUPRANUCLEAR OPHTHALMOPLEGIA; NIEMANN-PICK DISEASE WITH CHOLESTEROL ESTERIFICATION BLOCK; NIEMANN-PICK DISEASE WITHOUT SPHINGOMYELINASE DEFICIENCY; NIEMANN-PICK DISEASE, CHRONIC NEURONOPATHIC FORM; NIEMANN-PICK DISEASE, VARIANT TYPE C1. Identifiers: Orphanet 646, MedGen C3179455, MONDO:0009757, OMIM 257220.

Allele frequency attached by ClinVar (database versions not stated): gnomAD exomes below 0.00001; TOPMed below 0.00001; gnomAD 0.00001.
gnomAD v4.1: 2 of 1,614,086 alleles (0.00012%); highest among the groups gnomAD compares: East Asian, 0.0022%; no homozygotes.

Submissions (2):

PreventionGenetics, part of Exact Sciences
Classification: Likely pathogenic for NPC1-related condition. Last evaluated: 2025-12-02. Review status: criteria provided, single submitter. Criteria: ACMG Guidelines, 2015. Collection method: clinical testing. Allele origin: germline.
Comment: The NPC1 c.3670T>C variant is predicted to result in the amino acid substitution p.Phe1224Leu. This variant has been reported in combination with another NPC1 variant (phase unknown) in an individual with Niemann-Pick type C (Fernandez-Valero et al. 2005. PubMed ID: 16098014) and has been reported in the compound heterozygote state in siblings with adult onset Niemann–Pick type C (Macías-Vidal et al. 2010. PubMed ID: 20718790). This variant has not been reported in a large population database (gnomAD), indicating this variant is rare. This variant is interpreted as likely pathogenic.

Labcorp Genetics (formerly Invitae), Labcorp
Classification: Pathogenic for Niemann-Pick disease, type C1. Last evaluated: 2023-05-24. Review status: criteria provided, single submitter. Criteria: Invitae Variant Classification Sherloc (09022015). Collection method: clinical testing. Allele origin: germline.
Comment: For these reasons, this variant has been classified as Pathogenic. Advanced modeling of protein sequence and biophysical properties (such as structural, functional, and spatial information, amino acid conservation, physicochemical variation, residue mobility, and thermodynamic stability) performed at Invitae indicates that this missense variant is expected to disrupt NPC1 protein function. This missense change has been observed in individual(s) with Niemann-Pick type C (PMID: 16098014, 20718790). This variant is not present in population databases (gnomAD no frequency). This sequence change replaces phenylalanine, which is neutral and non-polar, with leucine, which is neutral and non-polar, at codon 1224 of the NPC1 protein (p.Phe1224Leu).

Literature cited by the submitters: PubMed 16098014 (cited by Labcorp Genetics (formerly Invitae), Labcorp); PubMed 20718790 (cited by Labcorp Genetics (formerly Invitae), Labcorp).